The following is an entry in ClinVar:

NM_005219.5(DIAPH1):c.3336G>C (p.Glu1112Asp)

Gene: DIAPH1 (diaphanous related formin 1; minus strand). Cytogenetic location: 5q31.3.
Variant type: single nucleotide variant.
Coding change: c.3336G>C on transcript NM_005219.5 (MANE Select); coding-DNA position 3336, G replaced by C.
Protein change: p.Glu1112Asp; replaces glutamic acid 1112 with aspartic acid.
Molecular consequence: missense variant.
Genome position (GRCh38, 1-based): chr5:141,526,399, C>G on the plus strand (G>C on the coding strand, the complement: DIAPH1 is on the minus strand). VCF-style: chr5-141526399-C-G. GRCh37 (hg19) VCF-style: chr5-140905966-C-G.
Other names: c.3309G>C, p.Glu1103Asp (NM_001079812.3); c.3336G>C, p.Glu1112Asp (NM_001314007.2); short protein forms E1103D, E1112D.
Identifiers: ClinVar variation 1446587 (VCV001446587.8), dbSNP rs2154594956, ClinGen allele CA361578962.
Genomic context (GRCh38, chr5:141,526,399, plus strand): 5'-TTCAACAGACAACTTCTTGGGGTCAAAGAGGAAGTACTCGCCCAGCTCCTTATAGAGGGT[C>G]TCCATGTTAGAATGCATCATCCGCAGCTTGTTATACTGTTCCTGTGCATCCTTCACAAAG-3'
Protein context (NP_005210.3, residues 1102-1122): NKLRMMHSNM[Glu1112Asp]TLYKELGEYF

ClinVar aggregate classification (germline): Uncertain significance (1 of 4 stars; one submission).

Conditions:
Autosomal dominant nonsyndromic hearing loss 1. Also called: KONIGSMARK SYNDROME; DEAFNESS, AUTOSOMAL DOMINANT 1, WITH OR WITHOUT THROMBOCYTOPENIA. Identifiers: Orphanet 90635, MedGen C1852282, MONDO:0007424, OMIM 124900.
Progressive microcephaly-seizures-cortical blindness-developmental delay syndrome. Also called: Seizures, cortical blindness, and microcephaly syndrome. Identifiers: Orphanet 477814, MedGen C5567650, MONDO:0014714, OMIM 616632.

Submission:

Labcorp Genetics (formerly Invitae), Labcorp
Classification: Uncertain significance for Progressive microcephaly-seizures-cortical blindness-developmental delay syndrome; Autosomal dominant nonsyndromic hearing loss 1. Last evaluated: 2021-06-28. Review status: criteria provided, single submitter. Criteria: Invitae Variant Classification Sherloc (09022015). Collection method: clinical testing. Allele origin: germline.
Comment: This sequence change replaces glutamic acid with aspartic acid at codon 1112 of the DIAPH1 protein (p.Glu1112Asp). The glutamic acid residue is highly conserved and there is a small physicochemical difference between glutamic acid and aspartic acid. This variant is not present in population databases (ExAC no frequency). This variant has not been reported in the literature in individuals with DIAPH1-related conditions. Algorithms developed to predict the effect of missense changes on protein structure and function (SIFT, PolyPhen-2, Align-GVGD) all suggest that this variant is likely to be tolerated, but these predictions have not been confirmed by published functional studies and their clinical significance is uncertain. In summary, the available evidence is currently insufficient to determine the role of this variant in disease. Therefore, it has been classified as a Variant of Uncertain Significance.